The following is an entry in ClinVar:

ClinVar aggregate classification (germline): Uncertain significance (1 of 4 stars; one submission).

Conditions:
Inborn genetic diseases. Identifiers: MedGen C0950123, MeSH D030342.

gnomAD v4.1: 1 of 1,614,216 alleles (0.000062%); highest among the groups gnomAD compares: South Asian, 0.0011%; no homozygotes.

Submission:

Ambry Genetics
Classification: Uncertain significance for Inborn genetic diseases. Last evaluated: 2025-09-28. Review status: criteria provided, single submitter. Criteria: Ambry Variant Classification Scheme 2023. Collection method: clinical testing. Allele origin: germline.
Comment: The p.Q382P variant (also known as c.1145A>C), located in coding exon 13 of the FANCA gene, results from an A to C substitution at nucleotide position 1145. The glutamine at codon 382 is replaced by proline, an amino acid with similar properties. This amino acid position is conserved. In addition, this alteration is predicted to be tolerated by in silico analysis. Based on the available evidence, the clinical significance of this variant remains unclear.

NM_000135.4(FANCA):c.1145A>C (p.Gln382Pro)

Gene: FANCA (FA complementation group A; minus strand). Cytogenetic location: 16q24.3.
Variant type: single nucleotide variant.
Coding change: c.1145A>C on transcript NM_000135.4 (MANE Select); coding-DNA position 1145, A replaced by C.
Protein change: p.Gln382Pro; replaces glutamine 382 with proline.
Molecular consequence: missense variant.
Genome position (GRCh38, 1-based): chr16:89,792,007, T>G on the plus strand (A>C on the coding strand, the complement: FANCA is on the minus strand). VCF-style: chr16-89792007-T-G. GRCh37 (hg19) VCF-style: chr16-89858415-T-G.
Other names: c.1145A>C, p.Gln382Pro (NM_001286167.3); short protein forms Q382P.
Identifiers: ClinVar variation 4619175 (VCV004619175.1).
Genomic context (GRCh38, chr16:89,792,007, plus strand): 5'-TCTGGAAAGCAGACAACCAGGGCAGACACAAAGGAGAGCACTCTCTGCCAGTGAACCTCC[T>G]GCGTTTCCAGAACTTCTTGCAAATGGCCAACCAACTCCTCTGCACTCAGCATCACAAAGA-3'
Protein context (NP_000126.2, residues 372-392): VGHLQEVLET[Gln382Pro]EVHWQRVLSF